The following is an entry in ClinVar:

ClinVar aggregate classification (germline): Uncertain significance. Review status: criteria provided, multiple submitters, no conflicts (2 of 4 stars). 2 submissions from 2 submitters: Uncertain significance (2). Last evaluated 2021-12-30.

Conditions:
Hereditary cancer-predisposing syndrome. Also called: Neoplastic Syndromes, Hereditary; Tumor predisposition; Hereditary Cancer Syndrome; Hereditary neoplastic syndrome. Identifiers: Orphanet 140162, MedGen C0027672, MeSH D009386, MONDO:0015356.
Hereditary nonpolyposis colorectal neoplasms. Identifiers: MedGen C0009405, MeSH D003123.

Allele frequency attached by ClinVar (database versions not stated): gnomAD exomes below 0.00001.
gnomAD v4.1: 2 of 1,581,012 alleles (0.00013%); highest among the groups gnomAD compares: Non-Finnish European, 0.00017%; no homozygotes.

Submissions (2):

Ambry Genetics
Classification: Uncertain significance for Hereditary cancer-predisposing syndrome. Last evaluated: 2021-12-30. Review status: criteria provided, single submitter. Criteria: Ambry Variant Classification Scheme 2023. Collection method: clinical testing. Allele origin: germline.
Comment: The p.P241R variant (also known as c.722C>G), located in coding exon 7 of the PMS2 gene, results from a C to G substitution at nucleotide position 722. The proline at codon 241 is replaced by arginine, an amino acid with dissimilar properties. This amino acid position is well conserved in available vertebrate species. In addition, this alteration is predicted to be deleterious by in silico analysis. Since supporting evidence is limited at this time, the clinical significance of this alteration remains unclear.

Labcorp Genetics (formerly Invitae), Labcorp
Classification: Uncertain significance for Hereditary nonpolyposis colorectal neoplasms. Last evaluated: 2021-06-06. Review status: criteria provided, single submitter. Criteria: Invitae Variant Classification Sherloc (09022015). Collection method: clinical testing. Allele origin: germline.
Comment: In summary, the available evidence is currently insufficient to determine the role of this variant in disease. Therefore, it has been classified as a Variant of Uncertain Significance. Algorithms developed to predict the effect of missense changes on protein structure and function do not agree on the potential impact of this missense change (SIFT: "Deleterious"; PolyPhen-2: "Probably Damaging"; Align-GVGD: "Class C0"). This variant has not been reported in the literature in individuals with PMS2-related disease. This variant is not present in population databases (ExAC no frequency). This sequence change replaces proline with arginine at codon 241 of the PMS2 protein (p.Pro241Arg). The proline residue is moderately conserved and there is a moderate physicochemical difference between proline and arginine.

NM_000535.7(PMS2):c.722C>G (p.Pro241Arg)

Gene: PMS2 (PMS1 homolog 2, mismatch repair system component; minus strand). Cytogenetic location: 7p22.1.
Variant type: single nucleotide variant.
Coding change: c.722C>G on transcript NM_000535.7 (MANE Select); coding-DNA position 722, C replaced by G.
Protein change: p.Pro241Arg; replaces proline 241 with arginine.
Molecular consequence: missense variant. On other transcripts: 5 prime UTR variant (2), non-coding transcript variant (1).
Genome position (GRCh38, 1-based): chr7:5,997,407, G>C on the plus strand (C>G on the coding strand, the complement: PMS2 is on the minus strand). VCF-style: chr7-5997407-G-C. GRCh37 (hg19) VCF-style: chr7-6037038-G-C.
Other names: c.317C>G, p.Pro106Arg (NM_001322003.2, NM_001322004.2, NM_001322005.2 and 2 more transcripts); c.722C>G, p.Pro241Arg (NM_001322006.2, NM_001322014.2); c.404C>G, p.Pro135Arg (NM_001322007.2, NM_001322008.2); c.-212C>G (NM_001322011.2, NM_001322012.2); c.149C>G, p.Pro50Arg (NM_001322013.2); c.413C>G, p.Pro138Arg (NM_001322015.2); short protein forms P241R, P50R, P106R, P135R, P138R.
Identifiers: ClinVar variation 525657 (VCV000525657.13), dbSNP rs1554301523, ClinGen allele CA366743767.